The following is an entry in ClinVar:

NM_000374.5(UROD):c.257A>G (p.Asp86Gly)

Gene: UROD (uroporphyrinogen decarboxylase; plus strand). Cytogenetic location: 1p34.1.
Variant type: single nucleotide variant.
Coding change: c.257A>G on transcript NM_000374.5 (MANE Select); coding-DNA position 257, A replaced by G.
Protein change: p.Asp86Gly; replaces aspartic acid 86 with glycine.
Molecular consequence: missense variant. On other transcripts: non-coding transcript variant (3).
Genome position (GRCh38, 1-based): chr1:45,013,335, A>G. VCF-style: chr1-45013335-A-G. GRCh37 (hg19) VCF-style: chr1-45479007-A-G.
Other names: short protein forms D86G.
Identifiers: ClinVar variation 2881714 (VCV002881714.3), dbSNP rs2522915520, ClinGen allele CA340117140.

ClinVar aggregate classification (germline): Uncertain significance (1 of 4 stars; one submission).

Allele frequency attached by ClinVar (database versions not stated): gnomAD exomes below 0.00001.

Submission:

Labcorp Genetics (formerly Invitae), Labcorp
Classification: Uncertain significance. Last evaluated: 2023-10-06. Review status: criteria provided, single submitter. Criteria: Invitae Variant Classification Sherloc (09022015). Collection method: clinical testing. Allele origin: germline.
Comment: This sequence change replaces aspartic acid, which is acidic and polar, with glycine, which is neutral and non-polar, at codon 86 of the UROD protein (p.Asp86Gly). This variant is not present in population databases (gnomAD no frequency). This variant has not been reported in the literature in individuals affected with UROD-related conditions. Advanced modeling of protein sequence and biophysical properties (such as structural, functional, and spatial information, amino acid conservation, physicochemical variation, residue mobility, and thermodynamic stability) performed at Invitae indicates that this missense variant is expected to disrupt UROD protein function. In summary, the available evidence is currently insufficient to determine the role of this variant in disease. Therefore, it has been classified as a Variant of Uncertain Significance.